The following is an entry in ClinVar:

ClinVar aggregate classification (germline): Uncertain significance (1 of 4 stars; one submission).

Submission:

Labcorp Genetics (formerly Invitae), Labcorp
Classification: Uncertain significance. Last evaluated: 2025-09-09. Review status: criteria provided, single submitter. Criteria: Invitae Variant Classification Sherloc (09022015). Collection method: clinical testing. Allele origin: germline.
Comment: This sequence change affects the initiator codon of the CD151 mRNA. This change may impact translation initiation or efficiency. The next in-frame methionine is located at codon 35. This variant is not present in population databases (gnomAD no frequency). This variant has not been reported in the literature in individuals affected with CD151-related conditions. Experimental studies and prediction algorithms are not available or were not evaluated, and the functional significance of this variant is currently unknown. In summary, the available evidence is currently insufficient to determine the role of this variant in disease. Therefore, it has been classified as a Variant of Uncertain Significance.

NM_004357.5(CD151):c.3G>A (p.Met1Ile)

Gene: CD151 (CD151 molecule (Raph blood group); plus strand). Cytogenetic location: 11p15.5.
Variant type: single nucleotide variant.
Coding change: c.3G>A on transcript NM_004357.5 (MANE Select); coding-DNA position 3, G replaced by A.
Protein change: p.Met1Ile; changes the start codon (methionine 1).
Molecular consequence: missense variant, initiator codon variant.
Genome position (GRCh38, 1-based): chr11:836,072, G>A. VCF-style: chr11-836072-G-A. GRCh37 (hg19) VCF-style: chr11-836072-G-A.
Other names: c.3G>A, p.Met1Ile (NM_001039490.2, NM_139029.2, NM_139030.4); short protein forms M1I.
Identifiers: ClinVar variation 4726616 (VCV004726616.1).